The following is an entry in ClinVar:

NM_005327.7(HADH):c.133-4945T>C

Gene: HADH (hydroxyacyl-CoA dehydrogenase; plus strand). Cytogenetic location: 4q25.
Variant type: single nucleotide variant.
Coding change: c.133-4945T>C on transcript NM_005327.7 (MANE Select); 4945 bases into the intron before coding-DNA position 133, T replaced by C.
Molecular consequence: intron variant. On other transcripts: missense variant (1).
Genome position (GRCh38, 1-based): chr4:108,004,814, T>C. VCF-style: chr4-108004814-T-C. GRCh37 (hg19) VCF-style: chr4-108925970-T-C.
Other names: c.41T>C, p.Leu14Pro (NM_001331027.2); c.133-4945T>C (NM_001184705.4); short protein forms L14P.
Identifiers: ClinVar variation 2655017 (VCV002655017.24), dbSNP rs751717205, ClinGen allele CA102870800.
Genomic context (GRCh38, chr4:108,004,814, plus strand): 5'-AAAAGAAGCAGCTGAAGAACATGTGTAGGACAGCCTTAGGAGTTACTACACTTCAAGACC[T>C]GGGTGTCTGCTGGAGGAAGGAACATGACCCTGCGGAGATGTTAAGGGTTGGGAGAGCTGA-3'

ClinVar aggregate classification (germline): Uncertain significance (1 of 4 stars; one submission).

Allele frequency attached by ClinVar (database versions not stated): TOPMed 0.00003; gnomAD 0.00004; gnomAD exomes 0.00008.
gnomAD v4.1: 122 of 1,535,776 alleles (0.0079%); highest among the groups gnomAD compares: Non-Finnish European, 0.01%; no homozygotes.

Submission:

CeGaT Center for Human Genetics Tuebingen
Classification: Uncertain significance. Last evaluated: 2023-09-01. Review status: criteria provided, single submitter. Criteria: CeGaT Center For Human Genetics Tuebingen Variant Classification Criteria Version 2. Collection method: clinical testing. Allele origin: germline. Affected: yes. Observed: 1 variant allele.
Comment: HADH: PM2, BP4